The following is an entry in ClinVar:

NM_000360.4(TH):c.1047G>C (p.Gln349His)

Gene: TH (tyrosine hydroxylase; minus strand). Cytogenetic location: 11p15.5.
Variant type: single nucleotide variant.
Coding change: c.1047G>C on transcript NM_000360.4 (MANE Select); coding-DNA position 1047, G replaced by C.
Protein change: p.Gln349His; replaces glutamine 349 with histidine.
Molecular consequence: missense variant.
Genome position (GRCh38, 1-based): chr11:2,166,480, C>G on the plus strand (G>C on the coding strand, the complement: TH is on the minus strand). VCF-style: chr11-2166480-C-G. GRCh37 (hg19) VCF-style: chr11-2187710-C-G.
Other names: c.1140G>C, p.Gln380His (NM_199292.3); c.1128G>C, p.Gln376His (NM_199293.3); short protein forms Q349H, Q376H, Q380H.
Identifiers: ClinVar variation 3373544 (VCV003373544.2).
Genomic context (GRCh38, chr11:2,166,480, plus strand): 5'-CGCCCCCGGCGCCAAGCCAGCCCCTGGGTGACCCCGGCTCCCTCCGAGGCCGCGGCGTAC[C>G]TGCGAGAACTGCGCGAAGGTGCGGTCGGCCAGCATGGGCACGTGCCCCAGCAGCTCGTGG-3'
Protein context (NP_000351.2, residues 339-359): LADRTFAQFS[Gln349His]DIGLASLGAS

ClinVar aggregate classification (germline): Uncertain significance (1 of 4 stars; one submission).

Submission:

GeneDx
Classification: Uncertain significance. Last evaluated: 2024-12-15. Review status: criteria provided, single submitter. Criteria: GeneDx Variant Classification Process June 2021. Collection method: clinical testing. Allele origin: germline. Affected: yes.
Comment: Not observed at significant frequency in large population cohorts (gnomAD); In silico analysis supports that this missense variant has a deleterious effect on protein structure/function; Has not been previously published as pathogenic or benign to our knowledge